The following is an entry in ClinVar:

NM_198578.4(LRRK2):c.1352A>G (p.Lys451Arg)

Gene: LRRK2 (leucine rich repeat kinase 2; plus strand). Cytogenetic location: 12q12.
Variant type: single nucleotide variant.
Coding change: c.1352A>G on transcript NM_198578.4 (MANE Select); coding-DNA position 1352, A replaced by G.
Protein change: p.Lys451Arg; replaces lysine 451 with arginine.
Molecular consequence: missense variant.
Genome position (GRCh38, 1-based): chr12:40,257,311, A>G. VCF-style: chr12-40257311-A-G. GRCh37 (hg19) VCF-style: chr12-40651113-A-G.
Other names: short protein forms K451R.
Identifiers: ClinVar variation 647525 (VCV000647525.8), dbSNP rs1592172389, ClinGen allele CA384410608.

ClinVar aggregate classification (germline): Uncertain significance (1 of 4 stars; one submission).

Conditions:
Autosomal dominant Parkinson disease 8. Also called: Parkinson disease 8, susceptibility to; LRRK2-Related Parkinson Disease; Parkinson disease 8. Identifiers: Orphanet 411602, MedGen C1846862, MONDO:0011764, OMIM 607060.

Submission:

Labcorp Genetics (formerly Invitae), Labcorp
Classification: Uncertain significance for Autosomal dominant Parkinson disease 8. Last evaluated: 2018-08-06. Review status: criteria provided, single submitter. Criteria: Invitae Variant Classification Sherloc (09022015). Collection method: clinical testing. Allele origin: germline.
Comment: In summary, the available evidence is currently insufficient to determine the role of this variant in disease. Therefore, it has been classified as a Variant of Uncertain Significance. Algorithms developed to predict the effect of missense changes on protein structure and function output the following: SIFT: "Tolerated"; PolyPhen-2: "Benign"; Align-GVGD: "Class C0". The arginine amino acid residue is found in multiple mammalian species, suggesting that this missense change does not adversely affect protein function. These predictions have not been confirmed by published functional studies and their clinical significance is uncertain. This variant has not been reported in the literature in individuals with LRRK2-related disease. This variant is not present in population databases (ExAC no frequency). This sequence change replaces lysine with arginine at codon 451 of the LRRK2 protein (p.Lys451Arg). The lysine residue is weakly conserved and there is a small physicochemical difference between lysine and arginine.